The following is an entry in ClinVar:

ClinVar aggregate classification (germline): Likely pathogenic (1 of 4 stars; one submission).

Conditions:
Mitochondrial neurogastrointestinal encephalomyopathy. Also called: Mitochondrial neurogastrointestinal encephalopathy syndrome; MNGIE syndrome; Thymidine phosphorylase deficiency. Identifiers: Orphanet 298, MedGen C0872218, MONDO:0017575.

Submission:

Natera, Inc.
Classification: Likely pathogenic for Mitochondrial neurogastrointestinal encephalomyopathy. Last evaluated: 2025-02-19. Review status: criteria provided, single submitter. Criteria: Natera Variant Classification Schema (03/2026). Collection method: clinical testing. Allele origin: germline.
Comment: The c.952G>T variant in TYMP is a nonsense variant predicted to introduce a stop codon at amino acid 318. This variant is expected to result in nonsense mediated decay, truncation, or a dysfunctional protein product. This variant is rare in the general population with a frequency below the threshold expected for the associated phenotype(s). Given the available evidence, this variant is classified as Likely Pathogenic.

NM_001953.5(TYMP):c.952G>T (p.Gly318Ter)

Genes: TYMP (thymidine phosphorylase; minus strand), LOC130067862 (ATAC-STARR-seq lymphoblastoid silent region 13986; plus strand). Cytogenetic location: 22q13.33.
Variant type: single nucleotide variant.
Coding change: c.952G>T on transcript NM_001953.5 (MANE Select); coding-DNA position 952, G replaced by T.
Protein change: p.Gly318Ter; replaces glycine 318 with a stop codon.
Molecular consequence: nonsense.
Genome position (GRCh38, 1-based): chr22:50,526,453, C>A on the plus strand (G>T on the coding strand, the complement: TYMP is on the minus strand). VCF-style: chr22-50526453-C-A. GRCh37 (hg19) VCF-style: chr22-50964882-C-A.
Other names: c.952G>T, p.Gly318Ter (NM_001113755.3, NM_001113756.3, NM_001257988.1 and 1 more transcripts); short protein forms G318*.
Identifiers: ClinVar variation 4062491 (VCV004062491.2).